The following is an entry in ClinVar:

ClinVar aggregate classification (germline): Uncertain significance. Review status: criteria provided, multiple submitters, no conflicts (2 of 4 stars). 2 submissions from 2 submitters: Uncertain significance (2). Last evaluated 2025-08-27.

Conditions:
Inborn genetic diseases. Identifiers: MedGen C0950123, MeSH D030342.
CHARGE syndrome (CHARGE). Also called: Hittner Hirsch Kreh syndrome; CHARGE ASSOCIATION--COLOBOMA, HEART ANOMALY, CHOANAL ATRESIA, RETARDATION, GENITAL AND EAR ANOMALIES; Coloboma, heart anomaly, choanal atresia, retardation, genital and ear anomalies; CHARGE association; Hall-Hittner syndrome. Identifiers: Orphanet 138, MedGen C0265354, MONDO:0008965.

Allele frequency attached by ClinVar (database versions not stated): gnomAD exomes below 0.00001.
gnomAD v4.1: 3 of 1,613,936 alleles (0.00019%); highest among the groups gnomAD compares: Non-Finnish European, 0.00025%; no homozygotes.

Submissions (2):

Ambry Genetics
Classification: Uncertain significance for Inborn genetic diseases. Last evaluated: 2025-08-27. Review status: criteria provided, single submitter. Criteria: Ambry Variant Classification Scheme 2023. Collection method: clinical testing. Allele origin: germline.

Labcorp Genetics (formerly Invitae), Labcorp
Classification: Uncertain significance for CHARGE syndrome. Last evaluated: 2022-05-07. Review status: criteria provided, single submitter. Criteria: Invitae Variant Classification Sherloc (09022015). Collection method: clinical testing. Allele origin: germline.
Comment: Advanced modeling of protein sequence and biophysical properties (such as structural, functional, and spatial information, amino acid conservation, physicochemical variation, residue mobility, and thermodynamic stability) performed at Invitae indicates that this missense variant is not expected to disrupt CHD7 protein function. In summary, the available evidence is currently insufficient to determine the role of this variant in disease. Therefore, it has been classified as a Variant of Uncertain Significance. This variant has not been reported in the literature in individuals affected with CHD7-related conditions. This sequence change replaces glutamine, which is neutral and polar, with histidine, which is basic and polar, at codon 104 of the CHD7 protein (p.Gln104His). This variant is not present in population databases (gnomAD no frequency).

NM_017780.4(CHD7):c.312G>T (p.Gln104His)

Gene: CHD7 (chromodomain helicase DNA binding protein 7; plus strand). Cytogenetic location: 8q12.2.
Variant type: single nucleotide variant.
Coding change: c.312G>T on transcript NM_017780.4 (MANE Select); coding-DNA position 312, G replaced by T.
Protein change: p.Gln104His; replaces glutamine 104 with histidine.
Molecular consequence: missense variant.
Genome position (GRCh38, 1-based): chr8:60,741,744, G>T. VCF-style: chr8-60741744-G-T. GRCh37 (hg19) VCF-style: chr8-61654303-G-T.
Other names: c.312G>T, p.Gln104His (NM_001316690.1); c.312G>T (NM_017780.3); short protein forms Q104H.
Identifiers: ClinVar variation 2037021 (VCV002037021.5), dbSNP rs1356622302, ClinGen allele CA371297097.